The following is an entry in ClinVar:

NM_058216.3(RAD51C):c.548T>C (p.Ile183Thr)

Gene: RAD51C (RAD51 paralog C; plus strand). Cytogenetic location: 17q22.
Variant type: single nucleotide variant.
Coding change: c.548T>C on transcript NM_058216.3 (MANE Select); coding-DNA position 548, T replaced by C.
Protein change: p.Ile183Thr; replaces isoleucine 183 with threonine.
Molecular consequence: missense variant.
Genome position (GRCh38, 1-based): chr17:58,696,836, T>C. VCF-style: chr17-58696836-T-C. GRCh37 (hg19) VCF-style: chr17-56774197-T-C.
Other names: c.548T>C (LRG_314t1); short protein forms I183T.
Identifiers: ClinVar variation 187692 (VCV000187692.24), dbSNP rs756727559, ClinGen allele CA333918.

ClinVar aggregate classification (germline): Conflicting classifications of pathogenicity. Review status: criteria provided, conflicting classifications (1 of 4 stars). 6 submissions from 6 submitters: Uncertain significance (5); Benign (1). Last evaluated 2025-10-28.

Conditions:
Breast-ovarian cancer, familial, susceptibility to, 3. Also called: RAD51C-Related Breast/Ovarian Cancer. Identifiers: Orphanet 145, MedGen C3150659, MONDO:0013253, OMIM 613399.
Fanconi anemia complementation group O. Also called: RAD51C-Related Fanconi Anemia. Identifiers: Orphanet 84, MedGen C3150653, MONDO:0013248, OMIM 613390.
Hereditary cancer-predisposing syndrome. Also called: Hereditary Cancer Syndrome; Neoplastic Syndromes, Hereditary; Tumor predisposition; Hereditary neoplastic syndrome. Identifiers: Orphanet 140162, MedGen C0027672, MeSH D009386, MONDO:0015356.

Allele frequency attached by ClinVar (database versions not stated): gnomAD exomes 0.00001 and 0.00002; ExAC 0.00002.
gnomAD v4.1: 28 of 1,614,202 alleles (0.0017%); highest among the groups gnomAD compares: Non-Finnish European, 0.0023%; no homozygotes.

Submissions (6):

Ambry Genetics
Classification: Benign for Hereditary cancer-predisposing syndrome. Last evaluated: 2025-10-28. Review status: criteria provided, single submitter. Criteria: Ambry Variant Classification Scheme 2023. Collection method: clinical testing. Allele origin: germline.

Color Diagnostics, LLC DBA Color Health
Classification: Uncertain significance for Hereditary cancer-predisposing syndrome. Last evaluated: 2024-11-18. Review status: criteria provided, single submitter. Criteria: ACMG Guidelines, 2015. Collection method: clinical testing. Allele origin: germline.
Comment: This missense variant replaces isoleucine with threonine at codon 183 of the RAD51C protein. Computational prediction suggests that this variant may not impact protein structure and function. To our knowledge, functional studies have not been reported for this variant. This variant has been observed in an individual affected with ovarian and/or breast cancer (PMID: 22538716). This variant has been identified in 2/251468 chromosomes in the general population by the Genome Aggregation Database (gnomAD). The available evidence is insufficient to determine the role of this variant in disease conclusively. Therefore, this variant is classified as a Variant of Uncertain Significance.

Labcorp Genetics (formerly Invitae), Labcorp
Classification: Uncertain significance for Fanconi anemia complementation group O. Last evaluated: 2024-09-19. Review status: criteria provided, single submitter. Criteria: Invitae Variant Classification Sherloc (09022015). Collection method: clinical testing. Allele origin: germline.
Comment: This sequence change replaces isoleucine, which is neutral and non-polar, with threonine, which is neutral and polar, at codon 183 of the RAD51C protein (p.Ile183Thr). This variant is present in population databases (rs756727559, gnomAD 0.002%). This missense change has been observed in individual(s) with ovarian cancer (PMID: 22538716). ClinVar contains an entry for this variant (Variation ID: 187692). An algorithm developed to predict the effect of missense changes on protein structure and function (PolyPhen-2) suggests that this variant¬†is likely to be tolerated. Experimental studies have shown that this missense change does not substantially affect RAD51C function (PMID: 37253112). In summary, the available evidence is currently insufficient to determine the role of this variant in disease. Therefore, it has been classified as a Variant of Uncertain Significance.

Baylor Genetics
Classification: Uncertain significance for Breast-ovarian cancer, familial, susceptibility to, 3. Last evaluated: 2023-07-23. Review status: criteria provided, single submitter. Criteria: ACMG Guidelines, 2015. Collection method: clinical testing. Allele origin: unknown.

GeneDx
Classification: Uncertain significance. Last evaluated: 2023-07-19. Review status: criteria provided, single submitter. Criteria: GeneDx Variant Classification Process June 2021. Collection method: clinical testing. Allele origin: germline. Affected: yes.
Comment: Not observed at significant frequency in large population cohorts (gnomAD); In silico analysis supports that this missense variant has a deleterious effect on protein structure/function; Observed in 1/2,808 ovarian cancer cases and was absent from 2,312 controls (Loveday et al., 2012); This variant is associated with the following publications: (PMID: 25470109, 22538716, 14704354)

Fulgent Genetics
Classification: Uncertain significance for Fanconi anemia complementation group O; Breast-ovarian cancer, familial, susceptibility to, 3. Last evaluated: 2022-04-27. Review status: criteria provided, single submitter. Criteria: ACMG Guidelines, 2015. Collection method: clinical testing. Allele origin: unknown.

Literature cited by the submitters: PubMed 37253112 (cited by Ambry Genetics and Labcorp Genetics (formerly Invitae), Labcorp); PubMed 22538716 (cited by Color Diagnostics, LLC DBA Color Health and Labcorp Genetics (formerly Invitae), Labcorp).